The following is an entry in ClinVar:

NM_003122.5(SPINK1):c.-192+3416G>T

Gene: SPINK1 (serine peptidase inhibitor Kazal type 1; minus strand). Cytogenetic location: 5q32.
Variant type: single nucleotide variant.
Coding change: c.-192+3416G>T on transcript NM_003122.5; 3416 bases into the intron after 192 bases upstream of the start codon, G replaced by T.
Molecular consequence: intron variant.
Genome position (GRCh38, 1-based): chr5:147,835,718, C>A on the plus strand (G>T on the coding strand, the complement: SPINK1 is on the minus strand). VCF-style: chr5-147835718-C-A. GRCh37 (hg19) VCF-style: chr5-147215281-C-A.
Other names: c.-225+3416G>T (NM_001354966.2).
Identifiers: ClinVar variation 4087918 (VCV004087918.1).
Genomic context (GRCh38, chr5:147,835,718, plus strand): 5'-TCAAGAGAACTGCTCTAATGGATGTTGATAATACATGTTGGAATGGGGATATTGGGCTGG[C>A]ACCTGTTGATTTTCACATTCTGTGCCCAAAGTTTAACTAGTAAGAAAAAAATGACAGAAA-3'

ClinVar aggregate classification (germline): Likely benign (1 of 4 stars; one submission).

gnomAD v4.1: 1,146 of 152,152 alleles (0.75%); highest among the groups gnomAD compares: South Asian, 1.5%; 6 homozygotes.

Submission:

GeneDx
Classification: Likely benign. Last evaluated: 2025-03-24. Review status: criteria provided, single submitter. Criteria: GeneDx Variant Classification Process June 2021. Collection method: clinical testing. Allele origin: germline. Affected: yes.
Comment: See Variant Classification Assertion Criteria.